The following is an entry in ClinVar:

ClinVar aggregate classification (germline): Uncertain significance (1 of 4 stars; one submission).

Submission:

GeneDx
Classification: Uncertain significance. Last evaluated: 2025-03-27. Review status: criteria provided, single submitter. Criteria: GeneDx Variant Classification Process June 2021. Collection method: clinical testing. Allele origin: germline. Affected: yes.
Comment: Not observed at significant frequency in large population cohorts (gnomAD); In silico analysis supports that this missense variant has a deleterious effect on protein structure/function; Has not been previously published as pathogenic or benign to our knowledge

NM_000257.4(MYH7):c.3437T>A (p.Ile1146Asn)

Gene: MYH7 (myosin heavy chain 7; minus strand). Cytogenetic location: 14q11.2.
Variant type: single nucleotide variant.
Coding change: c.3437T>A on transcript NM_000257.4 (MANE Select); coding-DNA position 3437, T replaced by A.
Protein change: p.Ile1146Asn; replaces isoleucine 1146 with asparagine.
Molecular consequence: missense variant.
Genome position (GRCh38, 1-based): chr14:23,420,134, A>T on the plus strand (T>A on the coding strand, the complement: MYH7 is on the minus strand). VCF-style: chr14-23420134-A-T. GRCh37 (hg19) VCF-style: chr14-23889343-A-T.
Other names: c.3437T>A, p.Ile1146Asn (NM_001407004.1); short protein forms I1146N.
Identifiers: ClinVar variation 4087825 (VCV004087825.1).